The following is an entry in ClinVar:

NM_014249.4(NR2E3):c.803G>A (p.Trp268Ter)

Gene: NR2E3 (nuclear receptor subfamily 2 group E member 3; plus strand). Cytogenetic location: 15q23.
Variant type: single nucleotide variant.
Coding change: c.803G>A on transcript NM_014249.4 (MANE Select); coding-DNA position 803, G replaced by A.
Protein change: p.Trp268Ter; replaces tryptophan 268 with a stop codon.
Molecular consequence: nonsense.
Genome position (GRCh38, 1-based): chr15:71,813,444, G>A. VCF-style: chr15-71813444-G-A. GRCh37 (hg19) VCF-style: chr15-72105784-G-A.
Other names: c.803G>A, p.Trp268Ter (NM_016346.4); c.803G>A (NM_014249.3); short protein forms W268*.
Identifiers: ClinVar variation 2677369 (VCV002677369.4), dbSNP rs2543256174, ClinGen allele CA393036491.

ClinVar aggregate classification (germline): Pathogenic/Likely pathogenic. Review status: criteria provided, multiple submitters, no conflicts (2 of 4 stars). 3 submissions from 3 submitters: Pathogenic (1); Likely pathogenic (2). Last evaluated 2024-03-01.

Conditions:
Enhanced S-cone syndrome (ESCS). Identifiers: Orphanet 53540, MedGen C1849394, MONDO:0100288, MONDO:0009989.

Submissions (3):

Natera, Inc.
Classification: Likely pathogenic for Enhanced S cone syndrome. Last evaluated: 2024-03-01. Review status: criteria provided, single submitter. Criteria: Natera Variant Classification Schema (03/2026). Collection method: clinical testing. Allele origin: germline.
Comment: The c.803G>A variant in NR2E3 is a nonsense variant predicted to introduce a stop codon at amino acid 268. This variant is expected to result in nonsense mediated decay, truncation, or a dysfunctional protein product. This variant is rare in the general population with a frequency below the threshold expected for the associated phenotype(s). Given the available evidence, this variant is classified as Likely Pathogenic.

Labcorp Genetics (formerly Invitae), Labcorp
Classification: Pathogenic. Last evaluated: 2024-02-09. Review status: criteria provided, single submitter. Criteria: Invitae Variant Classification Sherloc (09022015). Collection method: clinical testing. Allele origin: germline.
Comment: This sequence change creates a premature translational stop signal (p.Trp268*) in the NR2E3 gene. It is expected to result in an absent or disrupted protein product. Loss-of-function variants in NR2E3 are known to be pathogenic (PMID: 15459973, 27522502). This variant is not present in population databases (gnomAD no frequency). This variant has not been reported in the literature in individuals affected with NR2E3-related conditions. For these reasons, this variant has been classified as Pathogenic.

Baylor Genetics
Classification: Likely pathogenic for ENHANCED S-CONE SYNDROME 1. Last evaluated: 2022-11-23. Review status: criteria provided, single submitter. Criteria: ACMG Guidelines, 2015. Collection method: clinical testing. Allele origin: unknown.

Literature cited by the submitters: PubMed 15459973 (cited by Labcorp Genetics (formerly Invitae), Labcorp); PubMed 27522502 (cited by Labcorp Genetics (formerly Invitae), Labcorp).